The following is an entry in ClinVar:

NM_001127511.3(APC):c.-133C>A

Gene: APC (APC regulator of Wnt signaling pathway; plus strand). Cytogenetic location: 5q22.2.
Variant type: single nucleotide variant.
Coding change: c.-133C>A on transcript NM_001127511.3; 133 bases upstream of the start codon, C replaced by A.
Molecular consequence: 5 prime UTR variant. On other transcripts: non-coding transcript variant (2).
Genome position (GRCh38, 1-based): chr5:112,707,585, C>A. VCF-style: chr5-112707585-C-A. GRCh37 (hg19) VCF-style: chr5-112043282-C-A.
Other names: c.-316C>A (NM_001354895.2, NM_001407447.1, NM_001407452.1 and 3 more transcripts); c.-133C>A (NM_001354897.2, NM_001354902.2, NM_001407446.1); c.-83C>A (NM_001407448.1, NM_001407450.1, NM_001407457.1 and 1 more transcripts); c.-107C>A (NM_001407453.1); c.-1351C>A (NM_001407470.1, NM_001407472.1).
Identifiers: ClinVar variation 537649 (VCV000537649.8), dbSNP rs79896135, ClinGen allele CA658796611.
Genomic context (GRCh38, chr5:112,707,585, plus strand): 5'-GATGGCGGAGGGCAAGTAGCAAGGGGGCGGGGTGTGGCCGCCGGAAGCCTAGCCGCTGCT[C>A]GGGGGGGACCTGCGGGCTCAGGCCCGGGAGCTGCGGACCGAGGTTGGCTCGATGCTGTTC-3'

ClinVar aggregate classification (germline): Uncertain significance (1 of 4 stars; one submission).

Conditions:
Familial adenomatous polyposis 1 (FAP1). Also called: FAMILIAL ADENOMATOUS POLYPOSIS 1, ATTENUATED; POLYPOSIS, ADENOMATOUS INTESTINAL. Identifiers: MedGen C2713442, MONDO:0021056, OMIM 175100. Disease mechanism: loss of function.

gnomAD v4.1: 13 of 967,396 alleles (0.0013%); highest among the groups gnomAD compares: South Asian, 0.014%; 1 homozygote.

Submission:

Labcorp Genetics (formerly Invitae), Labcorp
Classification: Uncertain significance for Familial adenomatous polyposis 1. Last evaluated: 2025-12-22. Review status: criteria provided, single submitter. Criteria: Invitae Variant Classification Sherloc (09022015). Collection method: clinical testing. Allele origin: germline.
Comment: This variant occurs in a non-coding region of the APC gene. It does not change the encoded amino acid sequence of the APC protein. This variant is not present in population databases (gnomAD no frequency). This variant has not been reported in the literature in individuals affected with APC-related conditions. ClinVar contains an entry for this variant (Variation ID: 537649). Experimental studies and prediction algorithms are not available or were not evaluated, and the functional significance of this variant is currently unknown. In summary, the available evidence is currently insufficient to determine the role of this variant in disease. Therefore, it has been classified as a Variant of Uncertain Significance.